The following is an entry in ClinVar:

NM_018127.7(ELAC2):c.2255T>C (p.Val752Ala)

Gene: ELAC2 (elaC ribonuclease Z 2; minus strand). Cytogenetic location: 17p12.
Variant type: single nucleotide variant.
Coding change: c.2255T>C on transcript NM_018127.7 (MANE Select); coding-DNA position 2255, T replaced by C.
Protein change: p.Val752Ala; replaces valine 752 with alanine.
Molecular consequence: missense variant.
Genome position (GRCh38, 1-based): chr17:12,993,044, A>G on the plus strand (T>C on the coding strand, the complement: ELAC2 is on the minus strand). VCF-style: chr17-12993044-A-G. GRCh37 (hg19) VCF-style: chr17-12896361-A-G.
Other names: c.2135T>C, p.Val712Ala (NM_001165962.2); c.2252T>C, p.Val751Ala (NM_173717.2); short protein forms V712A, V751A, V752A.
Identifiers: ClinVar variation 1717141 (VCV001717141.5), dbSNP rs749717060, ClinGen allele CA398222450.

ClinVar aggregate classification (germline): Uncertain significance (1 of 4 stars; one submission).

Conditions:
Combined oxidative phosphorylation defect type 17. Also called: Combined oxidative phosphorylation deficiency 17. Identifiers: Orphanet 369913, MedGen C3809526, MONDO:0014190, OMIM 615440.

Submission:

Labcorp Genetics (formerly Invitae), Labcorp
Classification: Uncertain significance for Combined oxidative phosphorylation defect type 17. Last evaluated: 2022-08-20. Review status: criteria provided, single submitter. Criteria: Invitae Variant Classification Sherloc (09022015). Collection method: clinical testing. Allele origin: germline.
Comment: In summary, the available evidence is currently insufficient to determine the role of this variant in disease. Therefore, it has been classified as a Variant of Uncertain Significance. Algorithms developed to predict the effect of missense changes on protein structure and function are either unavailable or do not agree on the potential impact of this missense change (SIFT: "Deleterious"; PolyPhen-2: "Benign"; Align-GVGD: "Class C25"). This variant has not been reported in the literature in individuals affected with ELAC2-related conditions. This variant is not present in population databases (gnomAD no frequency). This sequence change replaces valine, which is neutral and non-polar, with alanine, which is neutral and non-polar, at codon 752 of the ELAC2 protein (p.Val752Ala).